The following is an entry in ClinVar:

NM_000088.4(COL1A1):c.4005+5G>T

Gene: COL1A1 (collagen type I alpha 1 chain; minus strand). Cytogenetic location: 17q21.33.
Variant type: single nucleotide variant.
Coding change: c.4005+5G>T on transcript NM_000088.4 (MANE Select); 5 bases into the intron after coding-DNA position 4005, G replaced by T.
Molecular consequence: intron variant.
Genome position (GRCh38, 1-based): chr17:50,186,312, C>A on the plus strand (G>T on the coding strand, the complement: COL1A1 is on the minus strand). VCF-style: chr17-50186312-C-A. GRCh37 (hg19) VCF-style: chr17-48263673-C-A.
Identifiers: ClinVar variation 4712683 (VCV004712683.1).

ClinVar aggregate classification (germline): Uncertain significance (1 of 4 stars; one submission).

Conditions:
Osteogenesis imperfecta type I (OI1). Also called: OI, TYPE I; OSTEOGENESIS IMPERFECTA TARDA; OSTEOGENESIS IMPERFECTA WITH BLUE SCLERAE; Osteogenesis imperfecta type 1; Classic Non-deforming Osteogenesis Imperfecta with Blue Sclerae; Lobstein's Disease. Identifiers: Orphanet 216796, Orphanet 666, MedGen C0023931, MONDO:0008146, OMIM 166200. Disease mechanism: loss of function.

Submission:

Labcorp Genetics (formerly Invitae), Labcorp
Classification: Uncertain significance for Osteogenesis imperfecta type I. Last evaluated: 2025-02-09. Review status: criteria provided, single submitter. Criteria: Invitae Variant Classification Sherloc (09022015). Collection method: clinical testing. Allele origin: germline.
Comment: This sequence change falls in intron 49 of the COL1A1 gene. It does not directly change the encoded amino acid sequence of the COL1A1 protein. It affects a nucleotide within the consensus splice site. This variant is not present in population databases (gnomAD no frequency). This variant has not been reported in the literature in individuals affected with COL1A1-related conditions. Variants that disrupt the consensus splice site are a relatively common cause of aberrant splicing (PMID: 17576681, 9536098). Algorithms developed to predict the effect of sequence changes on RNA splicing suggest that this variant is not likely to affect RNA splicing. In summary, the available evidence is currently insufficient to determine the role of this variant in disease. Therefore, it has been classified as a Variant of Uncertain Significance.

Literature cited by the submitters: PubMed 17576681; PubMed 9536098.